The following is an entry in ClinVar:

ClinVar aggregate classification (germline): Likely pathogenic (1 of 4 stars; one submission).

Conditions:
Congenital stationary night blindness 1C. Also called: Night blindness, congenital stationary (complete), 1C, autosomal recessive. Identifiers: Orphanet 215, MedGen C2750747, MONDO:0013183, OMIM 613216.

gnomAD v4.1: 3 of 1,614,160 alleles (0.00019%); highest among the groups gnomAD compares: South Asian, 0.0033%; no homozygotes.

Submission:

SN ONGC Dept of Genetics and Molecular biology Vision Research Foundation
Classification: Likely pathogenic for Congenital stationary night blindness 1C. Last evaluated: 2024-10-28. Review status: criteria provided, single submitter. Criteria: ACMG Guidelines, 2015. Collection method: research. Allele origin: biparental. Inheritance: Autosomal recessive inheritance. Affected: yes. Observed: 1 compound heterozygote.
Comment: The Ala109Pro variant in TRPM1 has been identified in a heterozygous state along with another c.1140+1G>A heterozygous variation from exon3 in an Indian study exhibiting an likely compound heterozygous pattern. Both the variants found to segregate in parents and also not identified in 100 control samples screened.

NM_001252024.2(TRPM1):c.274G>C (p.Ala92Pro)

Gene: TRPM1 (transient receptor potential cation channel subfamily M member 1; minus strand). Cytogenetic location: 15q13.3.
Variant type: single nucleotide variant.
Coding change: c.274G>C on transcript NM_001252024.2 (MANE Select); coding-DNA position 274, G replaced by C.
Protein change: p.Ala92Pro; replaces alanine 92 with proline.
Molecular consequence: missense variant.
Genome position (GRCh38, 1-based): chr15:31,070,036, C>G on the plus strand (G>C on the coding strand, the complement: TRPM1 is on the minus strand). VCF-style: chr15-31070036-C-G. GRCh37 (hg19) VCF-style: chr15-31362239-C-G.
Other names: c.325G>C, p.Ala109Pro (NM_001252020.2); c.208G>C, p.Ala70Pro (NM_001252030.2, NM_002420.6); short protein forms A109P, A70P, A92P.
Identifiers: ClinVar variation 3367201 (VCV003367201.2).